The following is an entry in ClinVar:

ClinVar aggregate classification (germline): Uncertain significance (1 of 4 stars; one submission).

Conditions:
Hereditary nonpolyposis colorectal neoplasms. Identifiers: MedGen C0009405, MeSH D003123.

Submission:

Labcorp Genetics (formerly Invitae), Labcorp
Classification: Uncertain significance for Hereditary nonpolyposis colorectal neoplasms. Last evaluated: 2019-11-06. Review status: criteria provided, single submitter. Criteria: Invitae Variant Classification Sherloc (09022015). Collection method: clinical testing. Allele origin: germline.
Comment: This sequence change replaces lysine with glutamic acid at codon 923 of the MSH6 protein (p.Lys923Glu). The lysine residue is moderately conserved and there is a small physicochemical difference between lysine and glutamic acid. This variant is not present in population databases (ExAC no frequency). This variant has not been reported in the literature in individuals with MSH6-related disease. Algorithms developed to predict the effect of missense changes on protein structure and function (SIFT, PolyPhen-2, Align-GVGD) all suggest that this variant is likely to be tolerated, but these predictions have not been confirmed by published functional studies and their clinical significance is uncertain. In summary, the available evidence is currently insufficient to determine the role of this variant in disease. Therefore, it has been classified as a Variant of Uncertain Significance.

NM_000179.3(MSH6):c.2767A>G (p.Lys923Glu)

Gene: MSH6 (mutS homolog 6; plus strand). Cytogenetic location: 2p16.3.
Variant type: single nucleotide variant.
Coding change: c.2767A>G on transcript NM_000179.3 (MANE Select); coding-DNA position 2767, A replaced by G.
Protein change: p.Lys923Glu; replaces lysine 923 with glutamic acid.
Molecular consequence: missense variant.
Genome position (GRCh38, 1-based): chr2:47,800,750, A>G. VCF-style: chr2-47800750-A-G. GRCh37 (hg19) VCF-style: chr2-48027889-A-G.
Other names: c.2377A>G, p.Lys793Glu (NM_001281492.2); c.1861A>G, p.Lys621Glu (NM_001281493.2, NM_001281494.2); short protein forms K923E, K621E, K793E.
Identifiers: ClinVar variation 566528 (VCV000566528.11), dbSNP rs1558666660, ClinGen allele CA346755451.
Genomic context (GRCh38, chr2:47,800,750, plus strand): 5'-CCTGATTTGACTGTAGAATTGAACCGATGGGATACAGCCTTTGACCATGAAAAGGCTCGA[A>G]AGACTGGACTTATTACTCCCAAAGCAGGCTTTGACTCTGATTATGACCAAGCTCTTGCTG-3'
Protein context (NP_000170.1, residues 913-933): DTAFDHEKAR[Lys923Glu]TGLITPKAGF